The following is an entry in ClinVar:

NM_001165963.4(SCN1A):c.4028C>G (p.Ala1343Gly)

Genes: SCN1A (sodium voltage-gated channel alpha subunit 1; minus strand), LOC102724058 (uncharacterized LOC102724058; plus strand). Cytogenetic location: 2q24.3.
Variant type: single nucleotide variant.
Coding change: c.4028C>G on transcript NM_001165963.4 (MANE Select); coding-DNA position 4028, C replaced by G.
Protein change: p.Ala1343Gly; replaces alanine 1343 with glycine.
Molecular consequence: missense variant. On other transcripts: non-coding transcript variant (1).
Genome position (GRCh38, 1-based): chr2:166,002,728, G>C on the plus strand (C>G on the coding strand, the complement: SCN1A is on the minus strand). VCF-style: chr2-166002728-G-C. GRCh37 (hg19) VCF-style: chr2-166859238-G-C.
Other names: c.3944C>G, p.Ala1315Gly (NM_001165964.3, NM_001353957.2, NM_001353958.2); c.4028C>G, p.Ala1343Gly (NM_001202435.3, NM_001353948.2); c.3995C>G, p.Ala1332Gly (NM_001353949.2, NM_001353950.2, NM_001353951.2 and 2 more transcripts); c.3992C>G, p.Ala1331Gly (NM_001353954.2, NM_001353955.2); c.3941C>G, p.Ala1314Gly (NM_001353960.2); c.1586C>G, p.Ala529Gly (NM_001353961.2); short protein forms A1314G, A1315G, A1331G, A1332G, A1343G, A529G.
Identifiers: ClinVar variation 4527372 (VCV004527372.1).

ClinVar aggregate classification (germline): Pathogenic (1 of 4 stars; one submission).

Submission:

GeneDx
Classification: Pathogenic. Last evaluated: 2025-04-18. Review status: criteria provided, single submitter. Criteria: GeneDx Variant Classification Process June 2021. Collection method: clinical testing. Allele origin: germline. Affected: yes.
Comment: Not observed at significant frequency in large population cohorts (gnomAD); In silico analysis supports that this missense variant has a deleterious effect on protein structure/function; This substitution is predicted to be within the intracellular loop between the S4 and S5 transmembrane segments of the third homologous domain; This variant is associated with the following publications: (PMID: 37329172)